The following is an entry in ClinVar:

ClinVar aggregate classification (germline): Uncertain significance (1 of 4 stars; one submission).

Allele frequency attached by ClinVar (database versions not stated): gnomAD 0.00001; TOPMed below 0.00001.
gnomAD v4.1: 2 of 1,612,160 alleles (0.00012%); highest among the groups gnomAD compares: African/African-American, 0.0013%; no homozygotes.

Submission:

Labcorp Genetics (formerly Invitae), Labcorp
Classification: Uncertain significance. Last evaluated: 2025-10-22. Review status: criteria provided, single submitter. Criteria: Invitae Variant Classification Sherloc (09022015). Collection method: clinical testing. Allele origin: germline.
Comment: This sequence change replaces threonine, which is neutral and polar, with serine, which is neutral and polar, at codon 1275 of the DCHS1 protein (p.Thr1275Ser). This variant is not present in population databases (gnomAD no frequency). This variant has not been reported in the literature in individuals affected with DCHS1-related conditions. ClinVar contains an entry for this variant (Variation ID: 1960927). Invitae Evidence Modeling of protein sequence and biophysical properties (such as structural, functional, and spatial information, amino acid conservation, physicochemical variation, residue mobility, and thermodynamic stability) indicates that this missense variant is expected to disrupt DCHS1 protein function with a positive predictive value of 80%. In summary, the available evidence is currently insufficient to determine the role of this variant in disease. Therefore, it has been classified as a Variant of Uncertain Significance.

NM_003737.4(DCHS1):c.3824C>G (p.Thr1275Ser)

Gene: DCHS1 (dachsous cadherin-related 1; minus strand). Cytogenetic location: 11p15.4.
Variant type: single nucleotide variant.
Coding change: c.3824C>G on transcript NM_003737.4 (MANE Select); coding-DNA position 3824, C replaced by G.
Protein change: p.Thr1275Ser; replaces threonine 1275 with serine.
Molecular consequence: missense variant.
Genome position (GRCh38, 1-based): chr11:6,631,159, G>C on the plus strand (C>G on the coding strand, the complement: DCHS1 is on the minus strand). VCF-style: chr11-6631159-G-C. GRCh37 (hg19) VCF-style: chr11-6652390-G-C.
Other names: short protein forms T1275S.
Identifiers: ClinVar variation 1960927 (VCV001960927.5), dbSNP rs1471048137, ClinGen allele CA379408818.